The following is an entry in ClinVar:

ClinVar aggregate classification (germline): Uncertain significance (1 of 4 stars; one submission).

Submission:

Labcorp Genetics (formerly Invitae), Labcorp
Classification: Uncertain significance. Last evaluated: 2024-03-02. Review status: criteria provided, single submitter. Criteria: Invitae Variant Classification Sherloc (09022015). Collection method: clinical testing. Allele origin: germline.
Comment: This sequence change affects codon 30 of the MOCS3 mRNA. It is a 'silent' change, meaning that it does not change the encoded amino acid sequence of the MOCS3 protein. This variant is not present in population databases (gnomAD no frequency). This variant has not been reported in the literature in individuals affected with MOCS3-related conditions. In summary, the available evidence is currently insufficient to determine the role of this variant in disease. Therefore, it has been classified as a Variant of Uncertain Significance.

NM_014484.5(MOCS3):c.90G>T (p.Ser30=)

Gene: MOCS3 (molybdenum cofactor synthesis 3; plus strand). Cytogenetic location: 20q13.13.
Variant type: single nucleotide variant.
Coding change: c.90G>T on transcript NM_014484.5 (MANE Select); coding-DNA position 90, G replaced by T.
Protein change: p.Ser30=; no amino-acid change (serine 30 retained).
Molecular consequence: synonymous variant.
Genome position (GRCh38, 1-based): chr20:50,958,932, G>T. VCF-style: chr20-50958932-G-T. GRCh37 (hg19) VCF-style: chr20-49575469-G-T.
Identifiers: ClinVar variation 3619628 (VCV003619628.2).